The following is an entry in ClinVar:

NM_004360.5(CDH1):c.1505del (p.Gly502fs)

Gene: CDH1 (cadherin 1; plus strand). Cytogenetic location: 16q22.1.
Variant type: Deletion.
Coding change: c.1505del on transcript NM_004360.5 (MANE Select); coding-DNA position 1505, one base deleted (G; older notation c.1505delG).
Protein change: p.Gly502fs; shifts the reading frame from glycine 502.
Molecular consequence: frameshift variant. On other transcripts: 5 prime UTR variant (2).
Genome position (GRCh38, 1-based): chr16:68,815,699, G deleted; the last of 3 consecutive G bases (chr16:68,815,697-68,815,699); deleting any one gives the same sequence. VCF-style (leftmost placement, unchanged base first): chr16-68815696-TG-T. GRCh37 (hg19) VCF-style: chr16-68849599-TG-T.
Other names: NM_004360.5(CDH1):c.1505del; p.Gly502fs; c.1505del (LRG_301t1); c.1322del, p.Gly441fs (NM_001317184.2); c.-44del (NM_001317185.2); c.-315del (NM_001317186.2); short protein forms G441fs, G502fs.
Identifiers: ClinVar variation 224529 (VCV000224529.6), dbSNP rs869312765, ClinGen allele CA353528.

ClinVar aggregate classification (germline): Pathogenic. Review status: reviewed by expert panel (3 of 4 stars). 3 submissions from 3 submitters: Pathogenic (1). 2 of the submissions do not count toward it. Last evaluated 2023-08-04.

Conditions:
Hereditary cancer-predisposing syndrome. Also called: Tumor predisposition; Hereditary neoplastic syndrome; Neoplastic Syndromes, Hereditary; Hereditary Cancer Syndrome. Identifiers: Orphanet 140162, MedGen C0027672, MeSH D009386, MONDO:0015356.
CDH1-related diffuse gastric and lobular breast cancer syndrome. Also called: CDH1-related diffuse gastric and lobular breast cancer. Identifiers: MedGen CN311521, MONDO:0100488.

Submissions (3):

Clingen Gastric Cancer Variant Curation Expert Panel
Classification: Pathogenic for CDH1-related diffuse gastric and lobular breast cancer syndrome. Last evaluated: 2023-08-04. Review status: reviewed by expert panel. Criteria: ClinGen CDH1 ACMG Specifications V3.1. Collection method: curation. Allele origin: germline. Inheritance: Autosomal dominant inheritance.
Comment: The c.1505del (p.Gly502fs) variant is predicted to result in a premature stop codon that leads to nonsense mediate decay (PVS1 and PM5_supporting). The variant is absent in the gnomAD cohort (PM2_supporting). Therefore, this variant meets criteria to be classified as pathogenic based on the ACMG/AMP criteria applied as specified by the CDH1 Variant Curation Expert Panel (CDH1 VCEP specifications version 3.1): PVS1, PM2_supporting, PM5_supporting.

Ambry Genetics
Classification: Pathogenic for Hereditary cancer-predisposing syndrome. Last evaluated: 2021-12-27. Review status: criteria provided, single submitter. Criteria: Ambry Variant Classification Scheme 2023. Collection method: clinical testing. Allele origin: germline. Not counted in ClinVar's aggregate classification.
Comment: The c.1505delG pathogenic mutation, located in coding exon 10 of the CDH1 gene, results from a deletion of one nucleotide at nucleotide position 1505, causing a translational frameshift with a predicted alternate stop codon (p.G502Afs*20). This variant was detected in a patient with a personal and family history of breast cancer (Shirts BH et al. Genet Med, 2016 10;18:974-81). This variant is considered to be rare based on population cohorts in the Genome Aggregation Database (gnomAD). This alteration is expected to result in loss of function by premature protein truncation or nonsense-mediated mRNA decay. As such, this alteration is interpreted as a disease-causing mutation.

University of Washington Department of Laboratory Medicine, University of Washington
Classification: Pathogenic for Hereditary cancer-predisposing syndrome. Last evaluated: 2015-11-20. Review status: criteria provided, single submitter. Criteria: Shirts et al. (Genet Med 2016). Collection method: clinical testing. Allele origin: germline. Observed: 1 variant allele. Not counted in ClinVar's aggregate classification.

Literature cited by the submitters: PubMed 26845104 (cited by Ambry Genetics).